The following is an entry in ClinVar:

ClinVar aggregate classification (germline): Uncertain significance (1 of 4 stars; one submission).

Conditions:
Peroxisome biogenesis disorder 5A (Zellweger) (PBD5A). Identifiers: Orphanet 912, MedGen C3553940, MONDO:0013932, OMIM 614866.

Submission:

Labcorp Genetics (formerly Invitae), Labcorp
Classification: Uncertain significance for Peroxisome biogenesis disorder 5A (Zellweger). Last evaluated: 2024-12-02. Review status: criteria provided, single submitter. Criteria: Invitae Variant Classification Sherloc (09022015). Collection method: clinical testing. Allele origin: germline.
Comment: This sequence change replaces arginine, which is basic and polar, with leucine, which is neutral and non-polar, at codon 169 of the PEX2 protein (p.Arg169Leu). This variant is not present in population databases (gnomAD no frequency). This variant has not been reported in the literature in individuals affected with PEX2-related conditions. ClinVar contains an entry for this variant (Variation ID: 1058733). Invitae Evidence Modeling of protein sequence and biophysical properties (such as structural, functional, and spatial information, amino acid conservation, physicochemical variation, residue mobility, and thermodynamic stability) indicates that this missense variant is expected to disrupt PEX2 protein function with a positive predictive value of 80%. In summary, the available evidence is currently insufficient to determine the role of this variant in disease. Therefore, it has been classified as a Variant of Uncertain Significance.

NM_000318.3(PEX2):c.506G>T (p.Arg169Leu)

Gene: PEX2 (peroxisomal biogenesis factor 2; minus strand). Cytogenetic location: 8q21.13.
Variant type: single nucleotide variant.
Coding change: c.506G>T on transcript NM_000318.3 (MANE Select); coding-DNA position 506, G replaced by T.
Protein change: p.Arg169Leu; replaces arginine 169 with leucine.
Molecular consequence: missense variant.
Genome position (GRCh38, 1-based): chr8:76,983,673, C>A on the plus strand (G>T on the coding strand, the complement: PEX2 is on the minus strand). VCF-style: chr8-76983673-C-A. GRCh37 (hg19) VCF-style: chr8-77895909-C-A.
Other names: c.506G>T, p.Arg169Leu (NM_001079867.2, NM_001172086.2, NM_001172087.2); short protein forms R169L.
Identifiers: ClinVar variation 1058733 (VCV001058733.9), dbSNP rs564144139, ClinGen allele CA371557195.